The following is an entry in ClinVar:

NM_015559.3(SETBP1):c.4713G>T (p.Gln1571His)

Gene: SETBP1 (SET binding protein 1; plus strand). Cytogenetic location: 18q12.3.
Variant type: single nucleotide variant.
Coding change: c.4713G>T on transcript NM_015559.3 (MANE Select); coding-DNA position 4713, G replaced by T.
Protein change: p.Gln1571His; replaces glutamine 1571 with histidine.
Molecular consequence: missense variant.
Genome position (GRCh38, 1-based): chr18:45,063,620, G>T. VCF-style: chr18-45063620-G-T. GRCh37 (hg19) VCF-style: chr18-42643585-G-T.
Other names: c.4713G>T, p.Gln1571His (NM_001379141.1, NM_001379142.1); c.4542G>T, p.Gln1514His (NM_001410862.1); short protein forms Q1514H, Q1571H.
Identifiers: ClinVar variation 1714940 (VCV001714940.5), dbSNP rs369999882, ClinGen allele CA402483988.

ClinVar aggregate classification (germline): Uncertain significance (1 of 4 stars; one submission).

gnomAD v4.1: 1 of 1,586,366 alleles (0.000063%); highest among the groups gnomAD compares: Non-Finnish European, 0.000086%; no homozygotes.

Submission:

Labcorp Genetics (formerly Invitae), Labcorp
Classification: Uncertain significance. Last evaluated: 2024-09-09. Review status: criteria provided, single submitter. Criteria: Invitae Variant Classification Sherloc (09022015). Collection method: clinical testing. Allele origin: germline.
Comment: This sequence change replaces glutamine, which is neutral and polar, with histidine, which is basic and polar, at codon 1571 of the SETBP1 protein (p.Gln1571His). This variant is not present in population databases (gnomAD no frequency). This variant has not been reported in the literature in individuals affected with SETBP1-related conditions. ClinVar contains an entry for this variant (Variation ID: 1714940). An algorithm developed to predict the effect of missense changes on protein structure and function (PolyPhen-2) suggests that this variant is likely to be tolerated. In summary, the available evidence is currently insufficient to determine the role of this variant in disease. Therefore, it has been classified as a Variant of Uncertain Significance.